The following is an entry in ClinVar:

NM_007194.4(CHEK2):c.1275del (p.Pro426fs)

Gene: CHEK2 (checkpoint kinase 2; minus strand). Cytogenetic location: 22q12.1.
Variant type: Deletion.
Coding change: c.1275del on transcript NM_007194.4 (MANE Select); coding-DNA position 1275, one base deleted (A; older notation c.1275delA).
Protein change: p.Pro426fs; shifts the reading frame from proline 426.
Molecular consequence: frameshift variant.
Genome position (GRCh38, 1-based): chr22:28,695,227, T deleted on the plus strand (A on the coding strand, the reverse complement: CHEK2 is on the minus strand). VCF-style (leftmost placement, unchanged base first): chr22-28695226-GT-G. GRCh37 (hg19) VCF-style: chr22-29091214-GT-G.
Other names: c.1275delA (NM_007194.3); c.1404delA, p.Pro469Leufs (NM_001005735.3); c.612delA, p.Pro205Leufs (NM_001257387.3); c.1074delA, p.Pro359Leufs (NM_001349956.3); c.1188delA, p.Pro397Leufs (NM_145862.3); short protein forms P205fs, P359fs, P397fs, P426fs, P469fs.
Identifiers: ClinVar variation 2584159 (VCV002584159.4), dbSNP rs2517798173, ClinGen allele CA2582342775.

ClinVar aggregate classification (germline): Pathogenic. Review status: criteria provided, multiple submitters, no conflicts (2 of 4 stars). 3 submissions from 3 submitters: Pathogenic (3). Last evaluated 2025-05-16.

Conditions:
CHEK2-related cancer predisposition (TPDS4). Also called: CHEK2-related cancer susceptibility; TUMOR PREDISPOSITION SYNDROME 4; CANCER PREDISPOSITION SYNDROME, CHEK2-RELATED. Identifiers: Orphanet 524, MedGen C5882668, MONDO:0700271, OMIM 609265.
Familial prostate cancer. Also called: Hereditary Prostate Cancer. Identifiers: MedGen C2931456, MONDO:0700275, OMIM 176807.
Familial cancer of breast. Also called: hereditary breast carcinoma; BREAST CANCER, FAMILIAL; Hereditary breast cancer. Identifiers: Orphanet 227535, MedGen C0346153, MONDO:0016419, OMIM 114480. Disease mechanism: loss of function.
Hereditary cancer-predisposing syndrome. Also called: Neoplastic Syndromes, Hereditary; Tumor predisposition; Hereditary Cancer Syndrome; Hereditary neoplastic syndrome. Identifiers: Orphanet 140162, MedGen C0027672, MeSH D009386, MONDO:0015356.

Submissions (3):

Ambry Genetics
Classification: Pathogenic for Hereditary cancer-predisposing syndrome. Last evaluated: 2025-05-16. Review status: criteria provided, single submitter. Criteria: Ambry Variant Classification Scheme 2023. Collection method: clinical testing. Allele origin: germline.
Comment: The c.1275delA pathogenic mutation, located in coding exon 11 of the CHEK2 gene, results from a deletion of one nucleotide at nucleotide position 1275, causing a translational frameshift with a predicted alternate stop codon (p.P426Lfs*11). This alteration is expected to result in loss of function by premature protein truncation or nonsense-mediated mRNA decay. This variant is considered to be rare based on population cohorts in the Genome Aggregation Database (gnomAD). As such, this alteration is interpreted as a disease-causing mutation.

Department of Pathology and Laboratory Medicine, Sinai Health System
Classification: Pathogenic for Familial prostate cancer; CHEK2-related cancer predisposition. Last evaluated: 2023-09-25. Review status: criteria provided, single submitter. Criteria: ACMG Guidelines, 2015. Collection method: clinical testing. Allele origin: germline. Affected: yes.

Myriad Genetics, Inc.
Classification: Pathogenic for Familial cancer of breast. Last evaluated: 2023-06-28. Review status: criteria provided, single submitter. Criteria: Myriad Autosomal Dominant, Autosomal Recessive and X-Linked Classification Criteria (2023). Collection method: clinical testing. Allele origin: unknown.
Comment: This variant is considered pathogenic. This variant creates a frameshift predicted to result in premature protein truncation.